The following is an entry in ClinVar:

NM_024757.5(EHMT1):c.1199A>C (p.Glu400Ala)

Gene: EHMT1 (euchromatic histone lysine methyltransferase 1; plus strand). Cytogenetic location: 9q34.3.
Variant type: single nucleotide variant.
Coding change: c.1199A>C on transcript NM_024757.5 (MANE Select); coding-DNA position 1199, A replaced by C.
Protein change: p.Glu400Ala; replaces glutamic acid 400 with alanine.
Molecular consequence: missense variant.
Genome position (GRCh38, 1-based): chr9:137,752,359, A>C. VCF-style: chr9-137752359-A-C. GRCh37 (hg19) VCF-style: chr9-140646811-A-C.
Other names: c.1199A>C, p.Glu400Ala (NM_001145527.2, NM_001354611.2); c.1106A>C, p.Glu369Ala (NM_001354259.2, NM_001354612.2); c.1178A>C, p.Glu393Ala (NM_001354263.2); short protein forms E393A, E369A, E400A.
Identifiers: ClinVar variation 2800626 (VCV002800626.3), dbSNP rs2541782529, ClinGen allele CA375761351.

ClinVar aggregate classification (germline): Uncertain significance (1 of 4 stars; one submission).

Conditions:
Kleefstra syndrome 1 (KLEFS1). Identifiers: Orphanet 261494, MedGen C0795833, MONDO:0027407, OMIM 610253.

Allele frequency attached by ClinVar (database versions not stated): gnomAD exomes below 0.00001.
gnomAD v4.1: 1 of 1,614,222 alleles (0.000062%); highest among the groups gnomAD compares: Middle Eastern, 0.017%; no homozygotes.

Submission:

Labcorp Genetics (formerly Invitae), Labcorp
Classification: Uncertain significance for Kleefstra syndrome 1. Last evaluated: 2023-07-18. Review status: criteria provided, single submitter. Criteria: Invitae Variant Classification Sherloc (09022015). Collection method: clinical testing. Allele origin: germline.
Comment: In summary, the available evidence is currently insufficient to determine the role of this variant in disease. Therefore, it has been classified as a Variant of Uncertain Significance. Advanced modeling of protein sequence and biophysical properties (such as structural, functional, and spatial information, amino acid conservation, physicochemical variation, residue mobility, and thermodynamic stability) performed at Invitae indicates that this missense variant is not expected to disrupt EHMT1 protein function. This variant has not been reported in the literature in individuals affected with EHMT1-related conditions. This variant is not present in population databases (gnomAD no frequency). This sequence change replaces glutamic acid, which is acidic and polar, with alanine, which is neutral and non-polar, at codon 400 of the EHMT1 protein (p.Glu400Ala).